The following is an entry in ClinVar:

NM_006767.4(LZTR1):c.200+5G>A

Gene: LZTR1 (leucine zipper like post translational regulator 1; plus strand). Cytogenetic location: 22q11.21.
Variant type: single nucleotide variant.
Coding change: c.200+5G>A on transcript NM_006767.4 (MANE Select); 5 bases into the intron after coding-DNA position 200, G replaced by A.
Molecular consequence: intron variant.
Genome position (GRCh38, 1-based): chr22:20,982,576, G>A. VCF-style: chr22-20982576-G-A. GRCh37 (hg19) VCF-style: chr22-21336865-G-A.
Identifiers: ClinVar variation 1784229 (VCV001784229.7), dbSNP rs1214449764, ClinGen allele CA2577655880.

ClinVar aggregate classification (germline): Conflicting classifications of pathogenicity. Review status: criteria provided, conflicting classifications (1 of 4 stars). 2 submissions from 2 submitters: Uncertain significance (1); Likely benign (1). Last evaluated 2025-07-07.

Conditions:
Hereditary cancer-predisposing syndrome. Also called: Neoplastic Syndromes, Hereditary; Tumor predisposition; Hereditary Cancer Syndrome; Hereditary neoplastic syndrome. Identifiers: Orphanet 140162, MedGen C0027672, MeSH D009386, MONDO:0015356.
Cardiovascular phenotype. Identifiers: MedGen CN230736.

Submissions (2):

Labcorp Genetics (formerly Invitae), Labcorp
Classification: Uncertain significance. Last evaluated: 2025-07-07. Review status: criteria provided, single submitter. Criteria: Invitae Variant Classification Sherloc (09022015). Collection method: clinical testing. Allele origin: germline.
Comment: This sequence change falls in intron 1 of the LZTR1 gene. It does not directly change the encoded amino acid sequence of the LZTR1 protein. It affects a nucleotide within the consensus splice site. This variant is not present in population databases (gnomAD no frequency). This variant has not been reported in the literature in individuals affected with LZTR1-related conditions. ClinVar contains an entry for this variant (Variation ID: 1784229). Variants that disrupt the consensus splice site are a relatively common cause of aberrant splicing (PMID: 17576681, 9536098). Algorithms developed to predict the effect of sequence changes on RNA splicing suggest that this variant is not likely to affect RNA splicing. In summary, the available evidence is currently insufficient to determine the role of this variant in disease. Therefore, it has been classified as a Variant of Uncertain Significance.

Ambry Genetics
Classification: Likely benign for Cardiovascular phenotype; Hereditary cancer-predisposing syndrome. Last evaluated: 2023-03-27. Review status: criteria provided, single submitter. Criteria: Ambry Variant Classification Scheme 2023. Collection method: clinical testing. Allele origin: germline.

Literature cited by the submitters: PubMed 17576681 (cited by Labcorp Genetics (formerly Invitae), Labcorp); PubMed 9536098 (cited by Labcorp Genetics (formerly Invitae), Labcorp).